The following is an entry in ClinVar:

ClinVar aggregate classification (germline): Pathogenic (1 of 4 stars; one submission).

Submission:

GeneDx
Classification: Pathogenic. Last evaluated: 2025-01-28. Review status: criteria provided, single submitter. Criteria: GeneDx Variant Classification Process June 2021. Collection method: clinical testing. Allele origin: germline. Affected: yes.
Comment: Not observed at significant frequency in large population cohorts (gnomAD); In silico analysis supports that this missense variant has a deleterious effect on protein structure/function; Has not been previously published as pathogenic or benign to our knowledge

NM_001321075.3(DLG4):c.506G>T (p.Gly169Val)

Gene: DLG4 (discs large MAGUK scaffold protein 4; minus strand). Cytogenetic location: 17p13.1.
Variant type: single nucleotide variant.
Coding change: c.506G>T on transcript NM_001321075.3 (MANE Select); coding-DNA position 506, G replaced by T.
Protein change: p.Gly169Val; replaces glycine 169 with valine.
Molecular consequence: missense variant. On other transcripts: non-coding transcript variant (1).
Genome position (GRCh38, 1-based): chr17:7,203,329, C>A on the plus strand (G>T on the coding strand, the complement: DLG4 is on the minus strand). VCF-style: chr17-7203329-C-A. GRCh37 (hg19) VCF-style: chr17-7106648-C-A.
Other names: c.497G>T, p.Gly166Val (NM_001128827.4); c.626G>T, p.Gly209Val (NM_001321074.1); c.326G>T, p.Gly109Val (NM_001321076.3, NM_001321077.3); c.635G>T, p.Gly212Val (NM_001365.5); c.425G>T, p.Gly142Val (NM_001369566.3); short protein forms G109V, G142V, G166V, G169V, G209V, G212V.
Identifiers: ClinVar variation 4072495 (VCV004072495.1).